The following is an entry in ClinVar:

NM_001376.5(DYNC1H1):c.1179C>G (p.Leu393=)

Gene: DYNC1H1 (dynein cytoplasmic 1 heavy chain 1; plus strand). Cytogenetic location: 14q32.31.
Variant type: single nucleotide variant.
Coding change: c.1179C>G on transcript NM_001376.5 (MANE Select); coding-DNA position 1179, C replaced by G.
Protein change: p.Leu393=; no amino-acid change (leucine 393 retained).
Molecular consequence: synonymous variant.
Genome position (GRCh38, 1-based): chr14:101,983,236, C>G. VCF-style: chr14-101983236-C-G. GRCh37 (hg19) VCF-style: chr14-102449573-C-G.
Identifiers: ClinVar variation 668256 (VCV000668256.8), dbSNP rs780971776, ClinGen allele CA7351650.

ClinVar aggregate classification (germline): Likely benign. Review status: criteria provided, multiple submitters, no conflicts (2 of 4 stars). 2 submissions from 2 submitters: Likely benign (2). Last evaluated 2022-08-23.

Conditions:
Charcot-Marie-Tooth disease axonal type 2O. Also called: Charcot-Marie-Tooth Neuropathy Type 2O; CHARCOT-MARIE-TOOTH NEUROPATHY, AXONAL, TYPE 2O; CHARCOT-MARIE-TOOTH DISEASE, AXONAL, AUTOSOMAL DOMINANT, TYPE 2O; Charcot-Marie-Tooth disease, axonal, type 20. Identifiers: Orphanet 284232, MedGen C3280220, MONDO:0013644, OMIM 614228.

Allele frequency attached by ClinVar (database versions not stated): gnomAD exomes below 0.00001; TOPMed 0.00001; ExAC 0.00001.
gnomAD v4.1: 9 of 1,614,004 alleles (0.00056%); highest among the groups gnomAD compares: African/African-American, 0.0027%; no homozygotes.

Submissions (2):

Labcorp Genetics (formerly Invitae), Labcorp
Classification: Likely benign for Charcot-Marie-Tooth disease axonal type 2O. Last evaluated: 2022-08-23. Review status: criteria provided, single submitter. Criteria: Invitae Variant Classification Sherloc (09022015). Collection method: clinical testing. Allele origin: germline.

GeneDx
Classification: Likely benign. Last evaluated: 2018-05-17. Review status: criteria provided, single submitter. Criteria: GeneDx Variant Classification (06012015). Collection method: clinical testing. Allele origin: germline. Affected: yes.
Comment: This variant is considered likely benign or benign based on one or more of the following criteria: it is a conservative change, it occurs at a poorly conserved position in the protein, it is predicted to be benign by multiple in silico algorithms, and/or has population frequency not consistent with disease.